The following is an entry in ClinVar:

NM_021224.6(ZNF462):c.4907AGG[4] (p.Glu1638_Val1639insGlu)

Gene: ZNF462 (zinc finger protein 462; plus strand). Cytogenetic location: 9q31.2.
Variant type: Microsatellite.
Coding change: c.4907AGG[4] on transcript NM_021224.6 (MANE Select); four copies in a row of the 3-base unit AGG starting at c.4907; the reference has three copies in a row; one copy, 3 bases duplicated; also written c.4913_4915dup.
Protein change: p.Glu1638_Val1639insGlu.
Molecular consequence: inframe insertion. On other transcripts: intron variant (1).
Genome position (GRCh38, 1-based): chr9:106,928,825-106,928,827, AGG duplicated; duplicating any 3 consecutive bases within chr9:106,928,818-106,928,827 gives the same sequence; the position shown is the placement nearest the transcript's 3' end. VCF-style (leftmost placement, unchanged base first): chr9-106928817-T-TGAG. GRCh37 (hg19) VCF-style: chr9-109691098-T-TGAG.
Other names: c.3252+1654GAG[4] (NM_001347997.2); c.4913_4915dup (NM_021224.6).
Identifiers: ClinVar variation 4886316 (VCV004886316.2).

ClinVar aggregate classification (germline): Uncertain significance (1 of 4 stars; one submission).

Submission:

Dasa
Classification: Uncertain significance. Last evaluated: 2026-01-28. Review status: criteria provided, single submitter. Criteria: DASA Assertion Criteria. Collection method: clinical testing. Allele origin: germline.
Comment: NM_021224.6(ZNF462):c.4913_4915dup (p.Glu1638dup) is an in-frame duplication predicted to duplicate glutamic acid at protein position 1638 without shifting the reading frame. This variant is rare in population databases. The currently available literature and clinical evidence are not sufficient to establish a definitive association between this variant and the reported condition. Therefore, this variant is classified as a variant of uncertain significance.